The following is an entry in ClinVar:

ClinVar aggregate classification (germline): Uncertain significance. Review status: criteria provided, multiple submitters, no conflicts (2 of 4 stars). 2 submissions from 2 submitters: Uncertain significance (2). Last evaluated 2024-06-05.

Conditions:
Hypertrophic cardiomyopathy 1 (CMH1). Also called: Familial hypertrophic cardiomyopathy 1; MYH7-Related Familial Hypertrophic Cardiomyopathy. Identifiers: MedGen C3495498, MONDO:0008647, OMIM 192600.

Allele frequency attached by ClinVar (database versions not stated): TOPMed below 0.00001.

Submissions (2):

Labcorp Genetics (formerly Invitae), Labcorp
Classification: Uncertain significance for Hypertrophic cardiomyopathy 1. Last evaluated: 2024-06-05. Review status: criteria provided, single submitter. Criteria: Invitae Variant Classification Sherloc (09022015). Collection method: clinical testing. Allele origin: germline.
Comment: This sequence change replaces asparagine, which is neutral and polar, with serine, which is neutral and polar, at codon 434 of the MYLK2 protein (p.Asn434Ser). This variant is not present in population databases (gnomAD no frequency). This variant has not been reported in the literature in individuals affected with MYLK2-related conditions. ClinVar contains an entry for this variant (Variation ID: 2504875). Advanced modeling of protein sequence and biophysical properties (such as structural, functional, and spatial information, amino acid conservation, physicochemical variation, residue mobility, and thermodynamic stability) has been performed at Invitae for this missense variant, however the output from this modeling did not meet the statistical confidence thresholds required to predict the impact of this variant on MYLK2 protein function. In summary, the available evidence is currently insufficient to determine the role of this variant in disease. Therefore, it has been classified as a Variant of Uncertain Significance.

GeneDx
Classification: Uncertain significance. Last evaluated: 2022-12-07. Review status: criteria provided, single submitter. Criteria: GeneDx Variant Classification Process June 2021. Collection method: clinical testing. Allele origin: germline. Affected: yes.
Comment: Not observed at significant frequency in large population cohorts (gnomAD); In silico analysis supports that this missense variant does not alter protein structure/function; In silico analysis suggests this variant may impact gene splicing. In the absence of RNA/functional studies, the actual effect of this sequence change is unknown.; Has not been previously published as pathogenic or benign to our knowledge

NM_033118.4(MYLK2):c.1301A>G (p.Asn434Ser)

Gene: MYLK2 (myosin light chain kinase 2; plus strand). Cytogenetic location: 20q11.21.
Variant type: single nucleotide variant.
Coding change: c.1301A>G on transcript NM_033118.4 (MANE Select); coding-DNA position 1301, A replaced by G.
Protein change: p.Asn434Ser; replaces asparagine 434 with serine.
Molecular consequence: missense variant.
Genome position (GRCh38, 1-based): chr20:31,831,018, A>G. VCF-style: chr20-31831018-A-G. GRCh37 (hg19) VCF-style: chr20-30418821-A-G.
Other names: short protein forms N434S.
Identifiers: ClinVar variation 2504875 (VCV002504875.4), dbSNP rs2035654766, ClinGen allele CA408527579.